The following is an entry in ClinVar:

ClinVar aggregate classification (germline): Uncertain significance. Review status: criteria provided, multiple submitters, no conflicts (2 of 4 stars). 3 submissions from 3 submitters: Uncertain significance (3). Last evaluated 2023-04-11.

Conditions:
Lissencephaly 9 with complex brainstem malformation. Identifiers: Orphanet 572013, MedGen C5193029, MONDO:0032677, OMIM 618325.
Inborn genetic diseases. Identifiers: MedGen C0950123, MeSH D030342.

Submissions (3):

Genome-Nilou Lab
Classification: Uncertain significance for Lissencephaly 9 with complex brainstem malformation. Last evaluated: 2023-04-11. Review status: criteria provided, single submitter. Criteria: ACMG Guidelines, 2015. Collection method: clinical testing. Allele origin: germline. Affected: no.

GeneDx
Classification: Uncertain significance. Last evaluated: 2022-07-12. Review status: criteria provided, single submitter. Criteria: GeneDx Variant Classification Process June 2021. Collection method: clinical testing. Allele origin: germline. Affected: yes.
Comment: Not observed at significant frequency in large population cohorts (gnomAD); In silico analysis supports that this missense variant does not alter protein structure/function; Has not been previously published as pathogenic or benign to our knowledge

Ambry Genetics
Classification: Uncertain significance for Inborn genetic diseases. Last evaluated: 2022-05-01. Review status: criteria provided, single submitter. Criteria: Ambry Variant Classification Scheme 2023. Collection method: clinical testing. Allele origin: germline.

NM_001394062.1(MACF1):c.12056A>G (p.Lys4019Arg)

Genes: MACF1 (microtubule actin crosslinking factor 1; plus strand), LOC126805711 (CDK7 strongly-dependent group 2 enhancer GRCh37_chr1:39824023-39825222; plus strand). Cytogenetic location: 1p34.3.
Variant type: single nucleotide variant.
Coding change: c.12056A>G on transcript NM_001394062.1 (MANE Select); coding-DNA position 12056, A replaced by G.
Protein change: p.Lys4019Arg; replaces lysine 4019 with arginine.
Molecular consequence: missense variant.
Genome position (GRCh38, 1-based): chr1:39,358,809, A>G. VCF-style: chr1-39358809-A-G. GRCh37 (hg19) VCF-style: chr1-39824481-A-G.
Other names: c.5870A>G, p.Lys1957Arg (NM_012090.5); c.5870A>G (NM_012090.4); short protein forms K1957R, K4019R.
Identifiers: ClinVar variation 1878857 (VCV001878857.5), dbSNP rs1468693122, ClinGen allele CA339821394.
Genomic context (GRCh38, chr1:39,358,809, plus strand): 5'-TCCAAAACAGTGCTGACAGCCTGCAGGCCTGGATGCAGGCTTGTGAGGCCAACGTGGAGA[A>G]GCTCCTCTCAGATACTGTTGCCTCTGACCCTGGAGTTCTCCAGGAGCAGCTTGCAACAAC-3'
Protein context (NP_001380991.1, residues 4009-4029): WMQACEANVE[Lys4019Arg]LLSDTVASDP